The following is an entry in ClinVar:

NM_001162501.2(TNRC6B):c.2185G>C (p.Asp729His)

Gene: TNRC6B (trinucleotide repeat containing adaptor 6B; plus strand). Cytogenetic location: 22q13.1.
Variant type: single nucleotide variant.
Coding change: c.2185G>C on transcript NM_001162501.2 (MANE Select); coding-DNA position 2185, G replaced by C.
Protein change: p.Asp729His; replaces aspartic acid 729 with histidine.
Molecular consequence: missense variant. On other transcripts: intron variant (1).
Genome position (GRCh38, 1-based): chr22:40,266,415, G>C. VCF-style: chr22-40266415-G-C. GRCh37 (hg19) VCF-style: chr22-40662419-G-C.
Other names: c.2185G>C, p.Asp729His (NM_015088.3); c.566-3707G>C (NM_001024843.2); short protein forms D729H.
Identifiers: ClinVar variation 2571746 (VCV002571746.2), dbSNP rs2517988026, ClinGen allele CA411634563.

ClinVar aggregate classification (germline): Uncertain significance (1 of 4 stars; one submission).

gnomAD v4.1: 2 of 1,613,906 alleles (0.00012%); highest among the groups gnomAD compares: Non-Finnish European, 0.00017%; no homozygotes.

Submission:

GeneDx
Classification: Uncertain significance. Last evaluated: 2024-04-30. Review status: criteria provided, single submitter. Criteria: GeneDx Variant Classification Process June 2021. Collection method: clinical testing. Allele origin: germline. Affected: yes.
Comment: Not observed at significant frequency in large population cohorts (gnomAD); In silico analysis indicates that this missense variant does not alter protein structure/function; Has not been previously published as pathogenic or benign to our knowledge